The following is an entry in ClinVar:

NM_002734.5(PRKAR1A):c.837G>A (p.Gly279=)

Gene: PRKAR1A (protein kinase cAMP-dependent type I regulatory subunit alpha; plus strand). Cytogenetic location: 17q24.2.
Variant type: single nucleotide variant.
Coding change: c.837G>A on transcript NM_002734.5 (MANE Select); coding-DNA position 837, G replaced by A.
Protein change: p.Gly279=; no amino-acid change (glycine 279 retained).
Molecular consequence: synonymous variant.
Genome position (GRCh38, 1-based): chr17:68,528,937, G>A. VCF-style: chr17-68528937-G-A. GRCh37 (hg19) VCF-style: chr17-66525078-G-A.
Other names: c.837G>A, p.Gly279= (NM_001276289.2, NM_001276290.1, NM_001278433.2 and 4 more transcripts).
Identifiers: ClinVar variation 1763149 (VCV001763149.13), dbSNP rs1600492307, ClinGen allele CA501528068.

ClinVar aggregate classification (germline): Likely benign. Review status: criteria provided, multiple submitters, no conflicts (2 of 4 stars). 3 submissions from 3 submitters: Likely benign (3). Last evaluated 2025-08-01.

Conditions:
Hereditary cancer-predisposing syndrome. Also called: Hereditary neoplastic syndrome; Neoplastic Syndromes, Hereditary; Tumor predisposition; Hereditary Cancer Syndrome. Identifiers: Orphanet 140162, MedGen C0027672, MeSH D009386, MONDO:0015356.
Carney complex, type 1 (CNC1). Also called: CARNEY COMPLEX, TYPE I; CARNEY MYXOMA-ENDOCRINE COMPLEX. Identifiers: Orphanet 1359, MedGen C2607929, MONDO:0008057, OMIM 160980.

Submissions (3):

CeGaT Center for Human Genetics Tuebingen
Classification: Likely benign. Last evaluated: 2025-08-01. Review status: criteria provided, single submitter. Criteria: CeGaT Center For Human Genetics Tuebingen Variant Classification Criteria Version 2. Collection method: clinical testing. Allele origin: germline. Affected: yes. Observed: 1 variant allele.
Comment: PRKAR1A: PM2:Supporting, BP4, BP7

Labcorp Genetics (formerly Invitae), Labcorp
Classification: Likely benign for Carney complex, type 1. Last evaluated: 2024-02-01. Review status: criteria provided, single submitter. Criteria: Invitae Variant Classification Sherloc (09022015). Collection method: clinical testing. Allele origin: germline.

Ambry Genetics
Classification: Likely benign for Hereditary cancer-predisposing syndrome. Last evaluated: 2021-12-22. Review status: criteria provided, single submitter. Criteria: Ambry Variant Classification Scheme 2023. Collection method: clinical testing. Allele origin: germline.